The following is an entry in ClinVar:

ClinVar aggregate classification (germline): Uncertain significance. Review status: criteria provided, multiple submitters, no conflicts (2 of 4 stars). 2 submissions from 2 submitters: Uncertain significance (2). Last evaluated 2026-01-25.

Conditions:
Inborn genetic diseases. Identifiers: MedGen C0950123, MeSH D030342.

gnomAD v4.1: 1 of 1,614,248 alleles (0.000062%); no homozygotes.

Submissions (2):

Ambry Genetics
Classification: Uncertain significance for Inborn genetic diseases. Last evaluated: 2026-01-25. Review status: criteria provided, single submitter. Criteria: Ambry Variant Classification Scheme 2023. Collection method: clinical testing. Allele origin: germline.

GeneDx
Classification: Uncertain significance. Last evaluated: 2025-06-13. Review status: criteria provided, single submitter. Criteria: GeneDx Variant Classification Process June 2021. Collection method: clinical testing. Allele origin: germline.
Comment: Not observed at significant frequency in large population cohorts (gnomAD); In silico analysis supports that this missense variant has a deleterious effect on protein structure/function; Has not been previously published as pathogenic or benign to our knowledge; This variant is associated with the following publications: (PMID: 25512093, 25609763, 26100331)

NM_001376.5(DYNC1H1):c.4138T>A (p.Tyr1380Asn)

Gene: DYNC1H1 (dynein cytoplasmic 1 heavy chain 1; plus strand). Cytogenetic location: 14q32.31.
Variant type: single nucleotide variant.
Coding change: c.4138T>A on transcript NM_001376.5 (MANE Select); coding-DNA position 4138, T replaced by A.
Protein change: p.Tyr1380Asn; replaces tyrosine 1380 with asparagine.
Molecular consequence: missense variant.
Genome position (GRCh38, 1-based): chr14:102,001,017, T>A. VCF-style: chr14-102001017-T-A. GRCh37 (hg19) VCF-style: chr14-102467354-T-A.
Other names: short protein forms Y1380N.
Identifiers: ClinVar variation 3365202 (VCV003365202.3).